The following is an entry in ClinVar:

ClinVar aggregate classification (germline): Uncertain significance (1 of 4 stars; one submission).

Submission:

GeneDx
Classification: Uncertain significance. Last evaluated: 2026-02-10. Review status: criteria provided, single submitter. Criteria: GeneDx Variant Classification Process June 2021. Collection method: clinical testing. Allele origin: germline.
Comment: Not observed at significant frequency in large population cohorts (gnomAD); In silico analysis supports that this missense variant has a deleterious effect on protein structure/function; Has not been previously published as pathogenic or benign to our knowledge

NM_006386.5(DDX17):c.796G>C (p.Asp266His)

Gene: DDX17 (DEAD-box helicase 17; minus strand). Cytogenetic location: 22q13.1.
Variant type: single nucleotide variant.
Coding change: c.796G>C on transcript NM_006386.5 (MANE Select); coding-DNA position 796, G replaced by C.
Protein change: p.Asp266His; replaces aspartic acid 266 with histidine.
Molecular consequence: missense variant.
Genome position (GRCh38, 1-based): chr22:38,495,880, C>G on the plus strand (G>C on the coding strand, the complement: DDX17 is on the minus strand). VCF-style: chr22-38495880-C-G. GRCh37 (hg19) VCF-style: chr22-38891885-C-G.
Other names: c.796G>C, p.Asp266His (NM_001098504.2); short protein forms D266H.
Identifiers: ClinVar variation 4976599 (VCV004976599.1).